The following is an entry in ClinVar:

ClinVar aggregate classification (germline): Uncertain significance (1 of 4 stars; one submission).

Conditions:
Dilated cardiomyopathy 1DD (CMD1DD). Identifiers: Orphanet 154, MedGen C2750995, MONDO:0013168, OMIM 613172.

Submission:

Labcorp Genetics (formerly Invitae), Labcorp
Classification: Uncertain significance for Dilated cardiomyopathy 1DD. Last evaluated: 2024-09-02. Review status: criteria provided, single submitter. Criteria: Invitae Variant Classification Sherloc (09022015). Collection method: clinical testing. Allele origin: germline.
Comment: This sequence change replaces glycine, which is neutral and non-polar, with arginine, which is basic and polar, at codon 302 of the RBM20 protein (p.Gly302Arg). This variant is not present in population databases (gnomAD no frequency). This variant has not been reported in the literature in individuals affected with RBM20-related conditions. Invitae Evidence Modeling of protein sequence and biophysical properties (such as structural, functional, and spatial information, amino acid conservation, physicochemical variation, residue mobility, and thermodynamic stability) indicates that this missense variant is not expected to disrupt RBM20 protein function with a negative predictive value of 95%. In summary, the available evidence is currently insufficient to determine the role of this variant in disease. Therefore, it has been classified as a Variant of Uncertain Significance.

NM_001134363.3(RBM20):c.904G>A (p.Gly302Arg)

Gene: RBM20 (RNA binding motif protein 20; plus strand). Cytogenetic location: 10q25.2.
Variant type: single nucleotide variant.
Coding change: c.904G>A on transcript NM_001134363.3 (MANE Select); coding-DNA position 904, G replaced by A.
Protein change: p.Gly302Arg; replaces glycine 302 with arginine.
Molecular consequence: missense variant.
Genome position (GRCh38, 1-based): chr10:110,781,513, G>A. VCF-style: chr10-110781513-G-A. GRCh37 (hg19) VCF-style: chr10-112541271-G-A.
Other names: short protein forms G302R.
Identifiers: ClinVar variation 3730624 (VCV003730624.2).